The following is an entry in ClinVar:

ClinVar aggregate classification (germline): Uncertain significance (1 of 4 stars; one submission).

Conditions:
Autosomal recessive polycystic kidney disease (ARPKD). Also called: AR polycystic kidney disease. Identifiers: Orphanet 731, Orphanet 8378, MedGen C0085548, MeSH D017044, MONDO:0009889.

Allele frequency attached by ClinVar (database versions not stated): TOPMed below 0.00001; gnomAD 0.00001; gnomAD exomes 0.00001.
gnomAD v4.1: 4 of 1,613,060 alleles (0.00025%); highest among the groups gnomAD compares: Non-Finnish European, 0.00034%; no homozygotes.

Submission:

Labcorp Genetics (formerly Invitae), Labcorp
Classification: Uncertain significance for Autosomal recessive polycystic kidney disease. Last evaluated: 2025-06-12. Review status: criteria provided, single submitter. Criteria: Invitae Variant Classification Sherloc (09022015). Collection method: clinical testing. Allele origin: germline.
Comment: This sequence change replaces valine, which is neutral and non-polar, with glycine, which is neutral and non-polar, at codon 3693 of the PKHD1 protein (p.Val3693Gly). This variant is present in population databases (no rsID available, gnomAD 0.007%). This variant has not been reported in the literature in individuals affected with PKHD1-related conditions. ClinVar contains an entry for this variant (Variation ID: 2151641). Invitae Evidence Modeling of protein sequence and biophysical properties (such as structural, functional, and spatial information, amino acid conservation, physicochemical variation, residue mobility, and thermodynamic stability) has been performed for this missense variant. However, the output from this modeling did not meet the statistical confidence thresholds required to predict the impact of this variant on PKHD1 protein function. In summary, the available evidence is currently insufficient to determine the role of this variant in disease. Therefore, it has been classified as a Variant of Uncertain Significance.

NM_138694.4(PKHD1):c.11078T>G (p.Val3693Gly)

Gene: PKHD1 (PKHD1 ciliary IPT domain containing fibrocystin/polyductin; minus strand). Cytogenetic location: 6p12.3.
Variant type: single nucleotide variant.
Coding change: c.11078T>G on transcript NM_138694.4 (MANE Select); coding-DNA position 11078, T replaced by G.
Protein change: p.Val3693Gly; replaces valine 3693 with glycine.
Molecular consequence: missense variant.
Genome position (GRCh38, 1-based): chr6:51,659,048, A>C on the plus strand (T>G on the coding strand, the complement: PKHD1 is on the minus strand). VCF-style: chr6-51659048-A-C. GRCh37 (hg19) VCF-style: chr6-51523846-A-C.
Other names: short protein forms V3693G.
Identifiers: ClinVar variation 2151641 (VCV002151641.2), dbSNP rs1342241635, ClinGen allele CA364430170.
Genomic context (GRCh38, chr6:51,659,048, plus strand): 5'-AAGGCCCCGATAGTCATATTCAGAACATTCTCTAGTACCCCAGTCTGTTGAGCAGTGATG[A>C]CTCGATGAGCCAAATTCTGTAATTTGTTACTTGATAAGGATGAAATCATTCCAGTGCTCC-3'
Protein context (NP_619639.3, residues 3683-3703): SNKLQNLAHR[Val3693Gly]ITAQQTGVLE